The following is an entry in ClinVar:

NM_139058.3(ARX):c.137C>T (p.Ala46Val)

Gene: ARX (aristaless related homeobox; minus strand). Cytogenetic location: Xp21.3.
Variant type: single nucleotide variant.
Coding change: c.137C>T on transcript NM_139058.3 (MANE Select); coding-DNA position 137, C replaced by T.
Protein change: p.Ala46Val; replaces alanine 46 with valine.
Molecular consequence: missense variant.
Genome position (GRCh38, 1-based): chrX:25,015,601, G>A on the plus strand (C>T on the coding strand, the complement: ARX is on the minus strand). VCF-style: chrX-25015601-G-A. GRCh37 (hg19) VCF-style: chrX-25033718-G-A.
Other names: short protein forms A46V.
Identifiers: ClinVar variation 2059916 (VCV002059916.4), dbSNP rs753049882, ClinGen allele CA412613818.

ClinVar aggregate classification (germline): Uncertain significance (1 of 4 stars; one submission).

Conditions:
Developmental and epileptic encephalopathy, 1 (DEE1). Also called: X-linked infantile spasms; West's syndrome; Tonic spasms with clustering, arrest of psychomotor development and hypsarrhythmia on EEG; X-Linked Infantile Spasm Syndrome; OHTAHARA SYNDROME, X-LINKED; INFANTILE SPASM SYNDROME, X-LINKED 1. Identifiers: MedGen C3463992, MONDO:0010632, OMIM 308350. Disease mechanism: loss of function.
Intellectual disability, X-linked, with or without seizures, ARX-related. Also called: MENTAL RETARDATION, X-LINKED 29; MENTAL RETARDATION, X-LINKED 32; MENTAL RETARDATION, X-LINKED 33; MENTAL RETARDATION, X-LINKED 38; MENTAL RETARDATION, X-LINKED 43; MENTAL RETARDATION, X-LINKED 76. Identifiers: Orphanet 777, MedGen C0796244, MONDO:0010317, OMIM 300419.

gnomAD v4.1: 1 of 1,210,392 alleles (0.000083%); highest among the groups gnomAD compares: Non-Finnish European, 0.00011%; no homozygotes.

Submission:

Labcorp Genetics (formerly Invitae), Labcorp
Classification: Uncertain significance for Developmental and epileptic encephalopathy, 1; Intellectual disability, X-linked, with or without seizures, ARX-related. Last evaluated: 2025-10-13. Review status: criteria provided, single submitter. Criteria: Invitae Variant Classification Sherloc (09022015). Collection method: clinical testing. Allele origin: germline.
Comment: This sequence change replaces alanine, which is neutral and non-polar, with valine, which is neutral and non-polar, at codon 46 of the ARX protein (p.Ala46Val). This variant is not present in population databases (gnomAD no frequency). This variant has not been reported in the literature in individuals affected with ARX-related conditions. ClinVar contains an entry for this variant (Variation ID: 2059916). Invitae Evidence Modeling of protein sequence and biophysical properties (such as structural, functional, and spatial information, amino acid conservation, physicochemical variation, residue mobility, and thermodynamic stability) indicates that this missense variant is not expected to disrupt ARX protein function with a negative predictive value of 95%. In summary, the available evidence is currently insufficient to determine the role of this variant in disease. Therefore, it has been classified as a Variant of Uncertain Significance.